The following is an entry in ClinVar:

NM_004004.6(GJB2):c.128T>C (p.Val43Ala)

Gene: GJB2 (gap junction protein beta 2; minus strand). Cytogenetic location: 13q12.11.
Variant type: single nucleotide variant.
Coding change: c.128T>C on transcript NM_004004.6 (MANE Select); coding-DNA position 128, T replaced by C.
Protein change: p.Val43Ala; replaces valine 43 with alanine.
Molecular consequence: missense variant.
Genome position (GRCh38, 1-based): chr13:20,189,454, A>G on the plus strand (T>C on the coding strand, the complement: GJB2 is on the minus strand). VCF-style: chr13-20189454-A-G. GRCh37 (hg19) VCF-style: chr13-20763593-A-G.
Other names: short protein forms V43A.
Identifiers: ClinVar variation 2429565 (VCV002429565.9), dbSNP rs776267945, ClinGen allele CA6904313.

ClinVar aggregate classification (germline): Pathogenic/Likely pathogenic. Review status: criteria provided, multiple submitters, no conflicts (2 of 4 stars). 4 submissions from 4 submitters: Pathogenic (2); Likely pathogenic (2). Last evaluated 2025-12-15.

Conditions:
Autosomal recessive nonsyndromic hearing loss 1A (DFNB1A). Also called: GJB2-Related Autosomal Recessive Nonsyndromic Hearing Loss; GJB6-Related DFNB 1 Nonsyndromic Hearing Loss and Deafness; Deafness, autosomal recessive 1A; Connexin 26 deafness; Deafness nonsyndromic, Connexin 26 linked; Nonsyndromic Hearing Loss and Deafness, DFNB1. Identifiers: Orphanet 90636, MedGen C2673759, MONDO:0009076, OMIM 220290.
Autosomal dominant keratitis-ichthyosis-hearing loss syndrome. Also called: HID SYNDROME; Senter syndrome; KID SYNDROME, AUTOSOMAL DOMINANT. Identifiers: Orphanet 477, MedGen C0265336, MONDO:0007850, OMIM 148210.
Knuckle pads, deafness AND leukonychia syndrome. Also called: Bart-Pumphrey syndrome. Identifiers: Orphanet 2698, MedGen C0266004, MONDO:0007866, OMIM 149200.
Ichthyosis, hystrix-like, with hearing loss. Also called: Hystrix-like ichthyosis with deafness. Identifiers: Orphanet 477, MedGen C1865234, MONDO:0011245.
Palmoplantar keratoderma-deafness syndrome. Also called: Keratoderma palmoplantar, with deafness; Palmoplantar keratoderma and sensorineural deafness; Hereditary palmoplantar keratoderma with deafness (subtype); Focal palmoplantar keratoderma with sensorineural deafness (subtype); Diffuse palmoplantar keratoderma with deafness (subtype). Identifiers: Orphanet 2202, MedGen C1835672, MONDO:0007852, OMIM 148350.
Autosomal dominant nonsyndromic hearing loss 3A. Identifiers: Orphanet 90635, MedGen C2675750, MONDO:0011103, OMIM 601544.
Mutilating keratoderma (VOWNKL). Also called: Keratoderma hereditarium mutilans. Identifiers: Orphanet 494, MedGen C0265964, MONDO:0007422, OMIM 124500.

Allele frequency attached by ClinVar (database versions not stated): gnomAD 0.00001; gnomAD exomes 0.00001; TOPMed below 0.00001; ExAC 0.00001.
gnomAD v4.1: 5 of 1,612,904 alleles (0.00031%); highest among the groups gnomAD compares: Admixed American, 0.0083%; no homozygotes.

Submissions (4):

Labcorp Genetics (formerly Invitae), Labcorp
Classification: Pathogenic. Last evaluated: 2025-12-15. Review status: criteria provided, single submitter. Criteria: Invitae Variant Classification Sherloc (09022015). Collection method: clinical testing. Allele origin: germline.
Comment: This sequence change replaces valine, which is neutral and non-polar, with alanine, which is neutral and non-polar, at codon 43 of the GJB2 protein (p.Val43Ala). This variant is present in population databases (rs776267945, gnomAD 0.01%). This missense change has been observed in individual(s) with autosomal recessive deafness (PMID: 38224868). In at least one individual the data is consistent with being in trans (on the opposite chromosome) from a pathogenic variant. ClinVar contains an entry for this variant (Variation ID: 2429565). Invitae Evidence Modeling of protein sequence and biophysical properties (such as structural, functional, and spatial information, amino acid conservation, physicochemical variation, residue mobility, and thermodynamic stability) indicates that this missense variant is expected to disrupt GJB2 protein function with a positive predictive value of 95%. This variant disrupts the p.Val43 amino acid residue in GJB2. Other variant(s) that disrupt this residue have been observed in individuals with GJB2-related conditions (PMID: 12792423, 26043044), which suggests that this may be a clinically significant amino acid residue. For these reasons, this variant has been classified as Pathogenic.

GeneDx
Classification: Likely pathogenic. Last evaluated: 2025-09-18. Review status: criteria provided, single submitter. Criteria: GeneDx Variant Classification Process June 2021. Collection method: clinical testing. Allele origin: germline. Affected: yes.
Comment: In silico analysis supports that this missense variant has a deleterious effect on protein structure/function; This variant is associated with the following publications: (PMID: 26043044, 38224868)

Fulgent Genetics
Classification: Likely pathogenic for Mutilating keratoderma; Autosomal dominant keratitis-ichthyosis-hearing loss syndrome; Palmoplantar keratoderma-deafness syndrome; Knuckle pads, deafness AND leukonychia syndrome; Autosomal recessive nonsyndromic hearing loss 1A; Autosomal dominant nonsyndromic hearing loss 3A. Last evaluated: 2024-02-21. Review status: criteria provided, single submitter. Criteria: ACMG Guidelines, 2015. Collection method: clinical testing. Allele origin: germline.

Clinical Genetics Service, Universitary Hospital 12 de Octubre
Classification: Pathogenic for Autosomal recessive nonsyndromic hearing loss 1A. Review status: criteria provided, single submitter. Criteria: ACMG Guidelines, 2015. Collection method: clinical testing. Allele origin: maternal. Affected: yes.

Literature cited by the submitters: PubMed 38224868 (cited by Labcorp Genetics (formerly Invitae), Labcorp); PubMed 12792423 (cited by Labcorp Genetics (formerly Invitae), Labcorp); PubMed 26043044 (cited by Labcorp Genetics (formerly Invitae), Labcorp).